The following is an entry in ClinVar:

ClinVar aggregate classification (germline): Benign/Likely benign. Review status: criteria provided, multiple submitters, no conflicts (2 of 4 stars). 4 submissions from 4 submitters: Benign (1); Likely benign (2). 1 of the submissions does not count toward it. Last evaluated 2026-01-27.

Conditions:
Inborn genetic diseases. Identifiers: MedGen C0950123, MeSH D030342.
Alpha thalassemia-X-linked intellectual disability syndrome (ATRX). Also called: X-linked alpha-thalassemia-mental retardation syndrome; ALPHA-THALASSEMIA/IMPAIRED INTELLECTUAL DEVELOPMENT SYNDROME, X-LINKED; ALPHA-THALASSEMIA/MENTAL RETARDATION SYNDROME, X-LINKED; ATR, NONDELETION TYPE; ATR-X syndrome; Alpha thalassemia mental retardation syndrome, nondeletion type, X-linked. Identifiers: Orphanet 847, MedGen C1845055, MONDO:0010519, OMIM 301040.

Allele frequency attached by ClinVar (database versions not stated): ExAC 0.00001; gnomAD 0.00004 and 0.00005; gnomAD exomes 0.00004; TOPMed 0.00006; 1000 Genomes Project 30x 0.00021; 1000 Genomes Project 0.00026.
gnomAD v4.1: 50 of 1,208,774 alleles (0.0041%); highest among the groups gnomAD compares: African/African-American, 0.01%; no homozygotes.

Submissions (4):

Labcorp Genetics (formerly Invitae), Labcorp
Classification: Benign for Alpha thalassemia-X-linked intellectual disability syndrome. Last evaluated: 2026-01-27. Review status: criteria provided, single submitter. Criteria: Invitae Variant Classification Sherloc (09022015). Collection method: clinical testing. Allele origin: germline.

Ambry Genetics
Classification: Likely benign for Inborn genetic diseases. Last evaluated: 2022-01-31. Review status: criteria provided, single submitter. Criteria: Ambry Variant Classification Scheme 2023. Collection method: clinical testing. Allele origin: germline.

GeneDx
Classification: Likely benign. Last evaluated: 2021-05-19. Review status: criteria provided, single submitter. Criteria: GeneDx Variant Classification Process June 2021. Collection method: clinical testing. Allele origin: germline. Affected: yes.
Comment: In silico analysis, which includes protein predictors and evolutionary conservation, supports that this variant does not alter protein structure/function; This variant is associated with the following publications: (PMID: 25257301)

Natera, Inc.
Classification: Likely benign for X-linked alpha-thalassemia-mental retardation syndrome. Last evaluated: 2020-01-31. Review status: no assertion criteria provided. Collection method: clinical testing. Allele origin: germline. Not counted in ClinVar's aggregate classification.

NM_000489.6(ATRX):c.2652G>C (p.Glu884Asp)

Gene: ATRX (ATRX chromatin remodeler; minus strand). Cytogenetic location: Xq21.1.
Variant type: single nucleotide variant.
Coding change: c.2652G>C on transcript NM_000489.6 (MANE Select); coding-DNA position 2652, G replaced by C.
Protein change: p.Glu884Asp; replaces glutamic acid 884 with aspartic acid.
Molecular consequence: missense variant.
Genome position (GRCh38, 1-based): chrX:77,682,604, C>G on the plus strand (G>C on the coding strand, the complement: ATRX is on the minus strand). VCF-style: chrX-77682604-C-G. GRCh37 (hg19) VCF-style: chrX-76938096-C-G.
Other names: c.2538G>C, p.Glu846Asp (NM_138270.5); short protein forms E846D, E884D.
Identifiers: ClinVar variation 1165904 (VCV001165904.17), dbSNP rs782123222, ClinGen allele CA10458051.